The following is an entry in ClinVar:

NM_000535.7(PMS2):c.9A>T (p.Arg3=)

Gene: PMS2 (PMS1 homolog 2, mismatch repair system component; minus strand). Cytogenetic location: 7p22.1.
Variant type: single nucleotide variant.
Coding change: c.9A>T on transcript NM_000535.7 (MANE Select); coding-DNA position 9, A replaced by T.
Protein change: p.Arg3=; no amino-acid change (arginine 3 retained).
Molecular consequence: synonymous variant. On other transcripts: 5 prime UTR variant (45), non-coding transcript variant (1).
Genome position (GRCh38, 1-based): chr7:6,009,011, T>A on the plus strand (A>T on the coding strand, the complement: PMS2 is on the minus strand). VCF-style: chr7-6009011-T-A. GRCh37 (hg19) VCF-style: chr7-6048642-T-A.
Other names: c.-392A>T (NM_001018040.1, NM_001322003.2, NM_001322013.2 and 5 more transcripts); c.-257A>T (NM_001322004.2, NM_001322010.2, NM_001406911.1); c.-587A>T (NM_001322005.2); c.9A>T, p.Arg3= (NM_001322006.2, NM_001322014.2, NM_001406866.1 and 11 more transcripts); c.-207A>T (NM_001322007.2, NM_001406876.1, NM_001406896.1 and 2 more transcripts); c.-67A>T (NM_001322008.2); c.-582A>T (NM_001322009.2, NM_001406897.1); c.-876A>T (NM_001322011.2); and 19 more.
Identifiers: ClinVar variation 1768909 (VCV001768909.5), dbSNP rs1554309048, ClinGen allele CA453650902.
Genomic context (GRCh38, chr7:6,009,011, plus strand): 5'-GAGGGCGCGCGAGAGGGGACACCGGAAGACTGCGAGCCCCGCTCACCTCGAGCTCTCAGC[T>A]CGCTCCATGGATGCAACACCCGATCCGCCTCGGGGACTGGGAAAGTTCCCTCCAGGGCTC-3'
Protein context (NP_000526.2, residues 1-13): ME[Arg3=]AESSSTEPAK

ClinVar aggregate classification (germline): Benign/Likely benign. Review status: criteria provided, multiple submitters, no conflicts (2 of 4 stars). 3 submissions from 3 submitters: Benign (1); Likely benign (2). Last evaluated 2025-01-23.

Conditions:
Hereditary cancer-predisposing syndrome. Also called: Hereditary Cancer Syndrome; Hereditary neoplastic syndrome; Neoplastic Syndromes, Hereditary; Tumor predisposition. Identifiers: Orphanet 140162, MedGen C0027672, MeSH D009386, MONDO:0015356.
Hereditary nonpolyposis colorectal neoplasms. Identifiers: MedGen C0009405, MeSH D003123.
Lynch syndrome 4 (LYNCH4). Also called: Colorectal cancer, hereditary nonpolyposis, type 4; Hereditary non-polyposis colorectal cancer, type 4. Identifiers: Orphanet 144, MedGen C1838333, MONDO:0013699, OMIM 614337. Disease mechanism: loss of function.

Allele frequency attached by ClinVar (database versions not stated): gnomAD exomes below 0.00001.
gnomAD v4.1: 2 of 1,612,564 alleles (0.00012%); highest among the groups gnomAD compares: African/African-American, 0.0027%; no homozygotes.

Submissions (3):

Myriad Genetics, Inc.
Classification: Benign for Lynch syndrome 4. Last evaluated: 2025-01-23. Review status: criteria provided, single submitter. Criteria: Myriad Autosomal Dominant, Autosomal Recessive and X-Linked Classification Criteria (2023). Collection method: clinical testing. Allele origin: unknown.
Comment: This variant is considered benign. This variant is a silent/synonymous amino acid change and it is not expected to impact splicing.

Labcorp Genetics (formerly Invitae), Labcorp
Classification: Likely benign for Hereditary nonpolyposis colorectal neoplasms. Last evaluated: 2024-11-02. Review status: criteria provided, single submitter. Criteria: Invitae Variant Classification Sherloc (09022015). Collection method: clinical testing. Allele origin: germline.

Ambry Genetics
Classification: Likely benign for Hereditary cancer-predisposing syndrome. Last evaluated: 2015-11-11. Review status: criteria provided, single submitter. Criteria: Ambry Variant Classification Scheme 2023. Collection method: clinical testing. Allele origin: germline.